The following is an entry in ClinVar:

ClinVar aggregate classification (germline): Pathogenic. Review status: criteria provided, single submitter (1 of 4 stars). 3 submissions from 3 submitters: Pathogenic (1). 2 of the submissions do not count toward it. Last evaluated 2026-01-20.

Conditions:
Alkaptonuria (AKU). Also called: Alcaptonuria; Homogentisic acidura; Alkaptonuric ochronosis; HOMOGENTISIC ACID OXIDASE DEFICIENCY. Identifiers: Orphanet 56, MedGen C0002066, MONDO:0008753, OMIM 203500.

Submissions (3):

Labcorp Genetics (formerly Invitae), Labcorp
Classification: Pathogenic for Alkaptonuria. Last evaluated: 2026-01-20. Review status: criteria provided, single submitter. Criteria: Invitae Variant Classification Sherloc (09022015). Collection method: clinical testing. Allele origin: germline.
Comment: This sequence change creates a premature translational stop signal (p.Lys126Valfs*2) in the HGD gene. It is expected to result in an absent or disrupted protein product. Loss-of-function variants in HGD are known to be pathogenic (PMID: 12501223, 19862842). This variant is present in population databases (no rsID available, gnomAD 0.0009%). This premature translational stop signal has been observed in individual(s) with alkaptonuria (PMID: 19862842). ClinVar contains an entry for this variant (Variation ID: 371063). For these reasons, this variant has been classified as Pathogenic.

Counsyl
Classification: Likely pathogenic for Alkaptonuria. Last evaluated: 2016-06-21. Review status: no assertion criteria provided. Collection method: clinical testing. Allele origin: unknown. Not counted in ClinVar's aggregate classification.

Department Of Human Genetics, Institute Of Clinical And Translational Research, Biomedical Research Center, Slovak Academy Of Sciences
Classification: Pathogenic for Alkaptonuria. Review status: no assertion criteria provided. Collection method: research. Allele origin: germline. Inheritance: Autosomal recessive inheritance. Affected: yes. Observed: 2 variant alleles. Not counted in ClinVar's aggregate classification.
Comment: The variant was originally described in AKU patient in PMID:19862842. It has been submitted to the HGD gene mutation database (DB-ID: AKU_00034).

Literature cited by the submitters: PubMed 12501223 (cited by Labcorp Genetics (formerly Invitae), Labcorp); PubMed 19862842 (cited by 3 submitters).

NM_000187.4(HGD):c.376_377del (p.Lys126fs)

Gene: HGD (homogentisate 1,2-dioxygenase; minus strand). Cytogenetic location: 3q13.33.
Variant type: Deletion.
Coding change: c.376_377del on transcript NM_000187.4 (MANE Select); coding-DNA positions 376 to 377, 2 bases deleted (AA; older notation c.376_377delAA).
Protein change: p.Lys126fs; shifts the reading frame from lysine 126.
Molecular consequence: frameshift variant.
Genome position (GRCh38, 1-based): chr3:120,650,831-120,650,832, TT deleted on the plus strand (AA on the coding strand, the reverse complement: HGD is on the minus strand); deleting any 2 consecutive bases within chr3:120,650,831-120,650,833 gives the same sequence; the c. name uses the placement nearest the transcript's 3' end. VCF-style (leftmost placement, unchanged base first): chr3-120650830-CTT-C. GRCh37 (hg19) VCF-style: chr3-120369677-CTT-C.
Other names: c.376_377delAA (NM_000187.4); short protein forms K126fs.
Identifiers: ClinVar variation 371063 (VCV000371063.5), dbSNP rs1057516976, ClinGen allele CA16040893.
Genomic context (GRCh38, chr3:120,650,830, plus strand): 5'-TTACCTGTTCTCCATGGAGGTATTGCAGAGGAAAATGTGGATAGCAAGCCCATTGTTAGA[CTT>C]TATGTCTCCAGCTCCACACAAGGTATGCAGGCCCTGGGAGAGACCCACAGAAGAGGGAAA-3'